The following is an entry in ClinVar:

NM_005121.3(MED13):c.3310G>A (p.Gly1104Ser)

Gene: MED13 (mediator complex subunit 13; minus strand). Cytogenetic location: 17q23.2.
Variant type: single nucleotide variant.
Coding change: c.3310G>A on transcript NM_005121.3 (MANE Select); coding-DNA position 3310, G replaced by A.
Protein change: p.Gly1104Ser; replaces glycine 1104 with serine.
Molecular consequence: missense variant.
Genome position (GRCh38, 1-based): chr17:61,982,693, C>T on the plus strand (G>A on the coding strand, the complement: MED13 is on the minus strand). VCF-style: chr17-61982693-C-T. GRCh37 (hg19) VCF-style: chr17-60060054-C-T.
Other names: short protein forms G1104S.
Identifiers: ClinVar variation 3602881 (VCV003602881.1).
Genomic context (GRCh38, chr17:61,982,693, plus strand): 5'-AGGTACACCTATATTGTGCTTCCTGCGTTGGATCTGGAATGTAAACTCCAACATCGGCAC[C>T]CTTGATGTTCATGTTGCAAACACAGATGCAACAACTATCAAAGTTACAGTCTTTAAACAA-3'
Protein context (NP_005112.2, residues 1094-1114): CICVCNMNIK[Gly1104Ser]ADVGVYIPDP

ClinVar aggregate classification (germline): Uncertain significance (1 of 4 stars; one submission).

gnomAD v4.1: 1 of 1,614,132 alleles (0.000062%); highest among the groups gnomAD compares: Non-Finnish European, 0.000085%; no homozygotes.

Submission:

GeneDx
Classification: Uncertain significance. Last evaluated: 2024-08-08. Review status: criteria provided, single submitter. Criteria: GeneDx Variant Classification Process June 2021. Collection method: clinical testing. Allele origin: germline. Affected: yes.
Comment: Not observed at significant frequency in large population cohorts (gnomAD); In silico analysis supports that this missense variant has a deleterious effect on protein structure/function; Has not been previously published as pathogenic or benign to our knowledge